The following is an entry in ClinVar:

ClinVar aggregate classification (germline): Uncertain significance (1 of 4 stars; one submission).

Allele frequency attached by ClinVar (database versions not stated): gnomAD exomes below 0.00001.
gnomAD v4.1: 2 of 1,614,136 alleles (0.00012%); highest among the groups gnomAD compares: Non-Finnish European, 0.00017%; no homozygotes.

Submission:

Labcorp Genetics (formerly Invitae), Labcorp
Classification: Uncertain significance. Last evaluated: 2022-03-09. Review status: criteria provided, single submitter. Criteria: Invitae Variant Classification Sherloc (09022015). Collection method: clinical testing. Allele origin: germline.
Comment: This variant is not present in population databases (gnomAD no frequency). This sequence change replaces threonine, which is neutral and polar, with isoleucine, which is neutral and non-polar, at codon 1900 of the NBAS protein (p.Thr1900Ile). This variant has not been reported in the literature in individuals affected with NBAS-related conditions. In summary, the available evidence is currently insufficient to determine the role of this variant in disease. Therefore, it has been classified as a Variant of Uncertain Significance. Algorithms developed to predict the effect of missense changes on protein structure and function are either unavailable or do not agree on the potential impact of this missense change (SIFT: "Deleterious"; PolyPhen-2: "Benign"; Align-GVGD: "Class C65").

NM_015909.4(NBAS):c.5699C>T (p.Thr1900Ile)

Gene: NBAS (NBAS subunit of NRZ tethering complex; minus strand). Cytogenetic location: 2p24.3.
Variant type: single nucleotide variant.
Coding change: c.5699C>T on transcript NM_015909.4 (MANE Select); coding-DNA position 5699, C replaced by T.
Protein change: p.Thr1900Ile; replaces threonine 1900 with isoleucine.
Molecular consequence: missense variant. On other transcripts: non-coding transcript variant (1).
Genome position (GRCh38, 1-based): chr2:15,275,509, G>A on the plus strand (C>T on the coding strand, the complement: NBAS is on the minus strand). VCF-style: chr2-15275509-G-A. GRCh37 (hg19) VCF-style: chr2-15415633-G-A.
Other names: short protein forms T1900I.
Identifiers: ClinVar variation 2107895 (VCV002107895.4), dbSNP rs2528114301, ClinGen allele CA345882025.